The following is an entry in ClinVar:

NM_001282225.2(ADA2):c.950C>T (p.Thr317Met)

Gene: ADA2 (adenosine deaminase 2; minus strand). Cytogenetic location: 22q11.1.
Variant type: single nucleotide variant.
Coding change: c.950C>T on transcript NM_001282225.2 (MANE Select); coding-DNA position 950, C replaced by T.
Protein change: p.Thr317Met; replaces threonine 317 with methionine.
Molecular consequence: missense variant.
Genome position (GRCh38, 1-based): chr22:17,189,964, G>A on the plus strand (C>T on the coding strand, the complement: ADA2 is on the minus strand). VCF-style: chr22-17189964-G-A. GRCh37 (hg19) VCF-style: chr22-17670854-G-A.
Other names: c.950C>T, p.Thr317Met (NM_001282226.2); c.824C>T, p.Thr275Met (NM_001282227.2, NM_001282228.2); c.590C>T, p.Thr197Met (NM_001282229.2); c.227C>T, p.Thr76Met (NM_177405.3); short protein forms T197M, T317M, T275M, T76M.
Identifiers: ClinVar variation 665280 (VCV000665280.8), dbSNP rs146788085, ClinGen allele CA10088039.
Genomic context (GRCh38, chr22:17,189,964, plus strand): 5'-CCTTAACAGGCAGCCCTTCTGTTCACAGCATGGGTTACCAGGTCAAACCCTGCCACCACC[G>A]TGGGGAACTTGATTCGGAGCCCCATGGCCATTCGGATGGATTCTGCGATGACAGCCACAT-3'
Protein context (NP_001269154.1, residues 307-327): MAMGLRIKFP[Thr317Met]VVAGFDLVGH

ClinVar aggregate classification (germline): Uncertain significance. Review status: criteria provided, multiple submitters, no conflicts (2 of 4 stars). 3 submissions from 3 submitters: Uncertain significance (3). Last evaluated 2024-11-08.

Conditions:
Deficiency of adenosine deaminase 2. Also called: Polyarteritis nodosa, childhoood-onset; Adenosine Deaminase 2 Deficiency; VASCULITIS, AUTOINFLAMMATION, IMMUNODEFICIENCY, AND HEMATOLOGIC DEFECTS SYNDROME. Identifiers: Orphanet 404553, MedGen C3887654, MONDO:0014306, OMIM 615688, MONDO:0100317.
Sneddon syndrome (SNDNS). Also called: LIVEDO RETICULARIS AND CEREBROVASCULAR ACCIDENTS; Idiopathic livedo reticularis with systemic involvement. Identifiers: Orphanet 820, MedGen C0282492, MONDO:0008436, OMIM 182410.

Allele frequency attached by ClinVar (database versions not stated): TOPMed 0.00005; gnomAD 0.00006 and 0.00007; gnomAD exomes 0.00006 and 0.00011; ExAC 0.00009; 1000 Genomes Project 30x 0.00016; 1000 Genomes Project 0.00020.
gnomAD v4.1: 171 of 1,613,636 alleles (0.011%); highest among the groups gnomAD compares: Non-Finnish European, 0.013%; no homozygotes.

Submissions (3):

Blueprint Genetics
Classification: Uncertain significance. Last evaluated: 2024-11-08. Review status: criteria provided, single submitter. Criteria: ACMG Guidelines, 2015. Collection method: clinical testing. Allele origin: germline.

Labcorp Genetics (formerly Invitae), Labcorp
Classification: Uncertain significance for Deficiency of adenosine deaminase 2. Last evaluated: 2022-09-13. Review status: criteria provided, single submitter. Criteria: Invitae Variant Classification Sherloc (09022015). Collection method: clinical testing. Allele origin: germline.
Comment: This sequence change replaces threonine, which is neutral and polar, with methionine, which is neutral and non-polar, at codon 317 of the ADA2 protein (p.Thr317Met). This variant is present in population databases (rs146788085, gnomAD 0.009%). This variant has not been reported in the literature in individuals affected with ADA2-related conditions. ClinVar contains an entry for this variant (Variation ID: 665280). Advanced modeling of protein sequence and biophysical properties (such as structural, functional, and spatial information, amino acid conservation, physicochemical variation, residue mobility, and thermodynamic stability) has been performed at Invitae for this missense variant, however the output from this modeling did not meet the statistical confidence thresholds required to predict the impact of this variant on ADA2 protein function. In summary, the available evidence is currently insufficient to determine the role of this variant in disease. Therefore, it has been classified as a Variant of Uncertain Significance.

Fulgent Genetics
Classification: Uncertain significance for Sneddon syndrome; Deficiency of adenosine deaminase 2. Last evaluated: 2022-05-20. Review status: criteria provided, single submitter. Criteria: ACMG Guidelines, 2015. Collection method: clinical testing. Allele origin: unknown.